The following is an entry in ClinVar:

NM_000080.4(CHRNE):c.1139G>C (p.Arg380Pro)

Genes: CHRNE (cholinergic receptor nicotinic epsilon subunit; minus strand), LOC130060040 (ATAC-STARR-seq lymphoblastoid silent region 8049; plus strand). Cytogenetic location: 17p13.2.
Variant type: single nucleotide variant.
Coding change: c.1139G>C on transcript NM_000080.4 (MANE Select); coding-DNA position 1139, G replaced by C.
Protein change: p.Arg380Pro; replaces arginine 380 with proline.
Molecular consequence: missense variant.
Genome position (GRCh38, 1-based): chr17:4,899,278, C>G on the plus strand (G>C on the coding strand, the complement: CHRNE is on the minus strand). VCF-style: chr17-4899278-C-G. GRCh37 (hg19) VCF-style: chr17-4802573-C-G.
Other names: short protein forms R380P.
Identifiers: ClinVar variation 1959872 (VCV001959872.2), dbSNP rs930096641, ClinGen allele CA397300444.
Genomic context (GRCh38, chr17:4,899,278, plus strand): 5'-TGCCTCTGCCCCTCAAACACGAGCTCGCTCCGTGGCTTTTTCAGTATCAGCTCCTCCGCG[C>G]GGAGCAATAAGCCCACCGACGACGCCCGCCTTGGGGGCGAGGCGGCCCGGGGGGCCTCGG-3'
Protein context (NP_000071.1, residues 370-390): RRASSVGLLL[Arg380Pro]AEELILKKPR

ClinVar aggregate classification (germline): Uncertain significance (1 of 4 stars; one submission).

Conditions:
Congenital myasthenic syndrome 4A. Also called: CONGENITAL MYASTHENIC SYNDROME TYPE Ia1; Myasthenic syndrome, congenital, 4a, slow-channel; MYASTHENIC SYNDROME, CONGENITAL, 4A, SLOW-CHANNEL, AUTOSOMAL RECESSIVE. Identifiers: Orphanet 590, MedGen C4225413, MONDO:0011600, OMIM 605809.

Submission:

Labcorp Genetics (formerly Invitae), Labcorp
Classification: Uncertain significance for Congenital myasthenic syndrome 4A. Last evaluated: 2022-09-21. Review status: criteria provided, single submitter. Criteria: Invitae Variant Classification Sherloc (09022015). Collection method: clinical testing. Allele origin: germline.
Comment: This sequence change replaces arginine, which is basic and polar, with proline, which is neutral and non-polar, at codon 380 of the CHRNE protein (p.Arg380Pro). This variant is not present in population databases (gnomAD no frequency). This variant has not been reported in the literature in individuals affected with CHRNE-related conditions. Advanced modeling of protein sequence and biophysical properties (such as structural, functional, and spatial information, amino acid conservation, physicochemical variation, residue mobility, and thermodynamic stability) performed at Invitae indicates that this missense variant is not expected to disrupt CHRNE protein function. In summary, the available evidence is currently insufficient to determine the role of this variant in disease. Therefore, it has been classified as a Variant of Uncertain Significance.